The following is an entry in ClinVar:

NM_016239.4(MYO15A):c.2707C>T (p.Pro903Ser)

Gene: MYO15A (myosin XVA; plus strand). Cytogenetic location: 17p11.2.
Variant type: single nucleotide variant.
Coding change: c.2707C>T on transcript NM_016239.4 (MANE Select); coding-DNA position 2707, C replaced by T.
Protein change: p.Pro903Ser; replaces proline 903 with serine.
Molecular consequence: missense variant.
Genome position (GRCh38, 1-based): chr17:18,121,507, C>T. VCF-style: chr17-18121507-C-T. GRCh37 (hg19) VCF-style: chr17-18024821-C-T.
Other names: short protein forms P903S.
Identifiers: ClinVar variation 3898936 (VCV003898936.1).

ClinVar aggregate classification (germline): Uncertain significance (1 of 4 stars; one submission).

gnomAD v4.1: 16 of 1,554,818 alleles (0.001%); highest among the groups gnomAD compares: African/African-American, 0.0014%; no homozygotes.

Submission:

GeneDx
Classification: Uncertain significance. Last evaluated: 2024-11-07. Review status: criteria provided, single submitter. Criteria: GeneDx Variant Classification Process June 2021. Collection method: clinical testing. Allele origin: germline. Affected: yes.
Comment: In silico analysis indicates that this missense variant does not alter protein structure/function; Has not been previously published as pathogenic or benign to our knowledge